The following is an entry in ClinVar:

ClinVar aggregate classification (germline): Uncertain significance. Review status: criteria provided, multiple submitters, no conflicts (2 of 4 stars). 2 submissions from 2 submitters: Uncertain significance (2). Last evaluated 2026-07-06.

Conditions:
Hereditary cancer-predisposing syndrome. Also called: Hereditary Cancer Syndrome; Tumor predisposition; Neoplastic Syndromes, Hereditary; Hereditary neoplastic syndrome. Identifiers: Orphanet 140162, MedGen C0027672, MeSH D009386, MONDO:0015356.
Familial adenomatous polyposis 1 (FAP1). Also called: POLYPOSIS, ADENOMATOUS INTESTINAL; FAMILIAL ADENOMATOUS POLYPOSIS 1, ATTENUATED. Identifiers: MedGen C2713442, MONDO:0021056, OMIM 175100. Disease mechanism: loss of function.

Submissions (2):

Ambry Genetics
Classification: Uncertain significance for Hereditary cancer-predisposing syndrome. Last evaluated: 2026-07-06. Review status: criteria provided, single submitter. Criteria: Ambry Variant Classification Scheme 2023. Collection method: clinical testing. Allele origin: germline.
Comment: The p.D962V variant (also known as c.2885A>T), located in coding exon 15 of the APC gene, results from an A to T substitution at nucleotide position 2885. The aspartic acid at codon 962 is replaced by valine, an amino acid with highly dissimilar properties. This amino acid position is conserved. In addition, in silico predictors for this gene do not accurately predict pathogenicity. Based on the available evidence, the clinical significance of this variant remains unclear.

Labcorp Genetics (formerly Invitae), Labcorp
Classification: Uncertain significance for Familial adenomatous polyposis 1. Last evaluated: 2024-06-24. Review status: criteria provided, single submitter. Criteria: Invitae Variant Classification Sherloc (09022015). Collection method: clinical testing. Allele origin: germline.
Comment: This sequence change replaces aspartic acid, which is acidic and polar, with valine, which is neutral and non-polar, at codon 962 of the APC protein (p.Asp962Val). This variant is not present in population databases (gnomAD no frequency). This variant has not been reported in the literature in individuals affected with APC-related conditions. ClinVar contains an entry for this variant (Variation ID: 1466910). Advanced modeling of protein sequence and biophysical properties (such as structural, functional, and spatial information, amino acid conservation, physicochemical variation, residue mobility, and thermodynamic stability) has been performed at Invitae for this missense variant, however the output from this modeling did not meet the statistical confidence thresholds required to predict the impact of this variant on APC protein function. In summary, the available evidence is currently insufficient to determine the role of this variant in disease. Therefore, it has been classified as a Variant of Uncertain Significance.

NM_000038.6(APC):c.2885A>T (p.Asp962Val)

Gene: APC (APC regulator of Wnt signaling pathway; plus strand). Cytogenetic location: 5q22.2.
Variant type: single nucleotide variant.
Coding change: c.2885A>T on transcript NM_000038.6 (MANE Select); coding-DNA position 2885, A replaced by T.
Protein change: p.Asp962Val; replaces aspartic acid 962 with valine.
Molecular consequence: missense variant.
Genome position (GRCh38, 1-based): chr5:112,838,479, A>T. VCF-style: chr5-112838479-A-T. GRCh37 (hg19) VCF-style: chr5-112174176-A-T.
Other names: c.2885A>T, p.Asp962Val (NM_001127510.3, NM_001354895.2); c.2831A>T, p.Asp944Val (NM_001127511.3); c.2939A>T, p.Asp980Val (NM_001354896.2); c.2915A>T, p.Asp972Val (NM_001354897.2); c.2810A>T, p.Asp937Val (NM_001354898.2); c.2801A>T, p.Asp934Val (NM_001354899.2); c.2762A>T, p.Asp921Val (NM_001354900.2); c.2708A>T, p.Asp903Val (NM_001354901.2); and 6 more; short protein forms D679V, D937V, D944V, D836V, D861V, D921V, D962V, D980V.
Identifiers: ClinVar variation 1466910 (VCV001466910.7), dbSNP rs2149879454, ClinGen allele CA16027627.
Genomic context (GRCh38, chr5:112,838,479, plus strand): 5'-ATTCAAATAGGACATGTTCTATGCCTTATGCCAAATTAGAATACAAGAGATCTTCAAATG[A>T]TAGTTTAAATAGTGTCAGTAGTAGTGATGGTTATGGTAAAAGAGGTCAAATGAAACCCTC-3'
Protein context (NP_000029.2, residues 952-972): AKLEYKRSSN[Asp962Val]SLNSVSSSDG